The following is an entry in ClinVar:

ClinVar aggregate classification (germline): Likely benign. Review status: criteria provided, multiple submitters, no conflicts (2 of 4 stars). 3 submissions from 3 submitters: Likely benign (2). 1 of the submissions does not count toward it. Last evaluated 2025-07-31.

Conditions:
PLXNA1-related disorder. Also called: PLXNA1-related condition.

Allele frequency attached by ClinVar (database versions not stated): ExAC 0.00002; ESP Exome Variant Server 0.00008.
gnomAD v4.1: 33 of 1,613,812 alleles (0.002%); highest among the groups gnomAD compares: Admixed American, 0.0067%; no homozygotes.

Submissions (3):

Labcorp Genetics (formerly Invitae), Labcorp
Classification: Likely benign. Last evaluated: 2025-07-31. Review status: criteria provided, single submitter. Criteria: Invitae Variant Classification Sherloc (09022015). Collection method: clinical testing. Allele origin: germline.

CeGaT Center for Human Genetics Tuebingen
Classification: Likely benign. Last evaluated: 2025-02-01. Review status: criteria provided, single submitter. Criteria: CeGaT Center For Human Genetics Tuebingen Variant Classification Criteria Version 2. Collection method: clinical testing. Allele origin: germline. Affected: yes. Observed: 1 variant allele.
Comment: PLXNA1: BP4, BP7

PreventionGenetics, part of Exact Sciences
Classification: Likely benign for PLXNA1-related condition. Last evaluated: 2021-08-11. Review status: no assertion criteria provided. Collection method: clinical testing. Allele origin: germline. Not counted in ClinVar's aggregate classification.
Comment: This variant is classified as likely benign based on ACMG/AMP sequence variant interpretation guidelines (Richards et al. 2015 PMID: 25741868, with internal and published modifications).

NM_032242.4(PLXNA1):c.4305G>A (p.Ser1435=)

Gene: PLXNA1 (plexin A1; plus strand). Cytogenetic location: 3q21.3.
Variant type: single nucleotide variant.
Coding change: c.4305G>A on transcript NM_032242.4 (MANE Select); coding-DNA position 4305, G replaced by A.
Protein change: p.Ser1435=; no amino-acid change (serine 1435 retained).
Molecular consequence: synonymous variant.
Genome position (GRCh38, 1-based): chr3:127,022,761, G>A. VCF-style: chr3-127022761-G-A. GRCh37 (hg19) VCF-style: chr3-126741604-G-A.
Identifiers: ClinVar variation 3029273 (VCV003029273.16), dbSNP rs140041313, ClinGen allele CA2594294.